The following is an entry in ClinVar:

ClinVar aggregate classification (germline): Conflicting classifications of pathogenicity. Review status: criteria provided, conflicting classifications (1 of 4 stars). 3 submissions from 3 submitters: Uncertain significance (2); Likely benign (1). Last evaluated 2025-10-28.

Conditions:
DYNC1H1-related disorder. Also called: DYNC1H1-related condition; DYNC1H1-related disorders. Identifiers: MedGen CN381529.
Inborn genetic diseases. Identifiers: MedGen C0950123, MeSH D030342.
Charcot-Marie-Tooth disease axonal type 2O. Also called: CHARCOT-MARIE-TOOTH NEUROPATHY, AXONAL, TYPE 2O; CHARCOT-MARIE-TOOTH DISEASE, AXONAL, AUTOSOMAL DOMINANT, TYPE 2O; Charcot-Marie-Tooth Neuropathy Type 2O; Charcot-Marie-Tooth disease, axonal, type 20. Identifiers: Orphanet 284232, MedGen C3280220, MONDO:0013644, OMIM 614228.

Allele frequency attached by ClinVar (database versions not stated): ExAC 0.00002; TOPMed 0.00002; gnomAD 0.00003; gnomAD exomes 0.00003.
gnomAD v4.1: 50 of 1,614,040 alleles (0.0031%); highest among the groups gnomAD compares: Non-Finnish European, 0.0039%; no homozygotes.

Submissions (3):

PreventionGenetics, part of Exact Sciences
Classification: Uncertain significance for DYNC1H1-related condition. Last evaluated: 2025-10-28. Review status: criteria provided, single submitter. Criteria: ACMG Guidelines, 2015. Collection method: clinical testing. Allele origin: germline.
Comment: The DYNC1H1 c.2768C>T variant is predicted to result in the amino acid substitution p.Thr923Met. To our knowledge, this variant has not been reported in the literature. This variant is reported in 0.0080% of alleles in individuals of African descent in gnomAD. At this time, the clinical significance of this variant is uncertain due to the absence of conclusive functional and genetic evidence.

Labcorp Genetics (formerly Invitae), Labcorp
Classification: Likely benign for Charcot-Marie-Tooth disease axonal type 2O. Last evaluated: 2025-09-07. Review status: criteria provided, single submitter. Criteria: Invitae Variant Classification Sherloc (09022015). Collection method: clinical testing. Allele origin: germline.

Ambry Genetics
Classification: Uncertain significance for Inborn genetic diseases. Last evaluated: 2024-07-27. Review status: criteria provided, single submitter. Criteria: Ambry Variant Classification Scheme 2023. Collection method: clinical testing. Allele origin: germline.

NM_001376.5(DYNC1H1):c.2768C>T (p.Thr923Met)

Gene: DYNC1H1 (dynein cytoplasmic 1 heavy chain 1; plus strand). Cytogenetic location: 14q32.31.
Variant type: single nucleotide variant.
Coding change: c.2768C>T on transcript NM_001376.5 (MANE Select); coding-DNA position 2768, C replaced by T.
Protein change: p.Thr923Met; replaces threonine 923 with methionine.
Molecular consequence: missense variant.
Genome position (GRCh38, 1-based): chr14:101,988,752, C>T. VCF-style: chr14-101988752-C-T. GRCh37 (hg19) VCF-style: chr14-102455089-C-T.
Other names: short protein forms T923M.
Identifiers: ClinVar variation 951942 (VCV000951942.13), dbSNP rs760518511, ClinGen allele CA7351882.